The following is an entry in ClinVar:

NM_001081.4(CUBN):c.9524C>A (p.Ser3175Ter)

Gene: CUBN (cubilin; minus strand). Cytogenetic location: 10p13.
Variant type: single nucleotide variant.
Coding change: c.9524C>A on transcript NM_001081.4 (MANE Select); coding-DNA position 9524, C replaced by A.
Protein change: p.Ser3175Ter; replaces serine 3175 with a stop codon.
Molecular consequence: nonsense.
Genome position (GRCh38, 1-based): chr10:16,851,374, G>T on the plus strand (C>A on the coding strand, the complement: CUBN is on the minus strand). VCF-style: chr10-16851374-G-T. GRCh37 (hg19) VCF-style: chr10-16893373-G-T.
Other names: short protein forms S3175*.
Identifiers: ClinVar variation 599129 (VCV000599129.10), dbSNP rs368697251, ClinGen allele CA5422679.
Genomic context (GRCh38, chr10:16,851,374, plus strand): 5'-TTGTTTACAGGTGCAATTATGATCCATACACAGTTTAAATTCTTGTCATACATTCCATTC[G>T]AATCAGAATCAGGAGAGGCAAAGGTATTATTCGAGCCTGTCAGATAACCACCACATCCTT-3'

ClinVar aggregate classification (germline): Pathogenic/Likely pathogenic. Review status: criteria provided, multiple submitters, no conflicts (2 of 4 stars). 4 submissions from 4 submitters: Pathogenic (2); Likely pathogenic (1). 1 of the submissions does not count toward it. Last evaluated 2025-01-07.

Conditions:
Imerslund-Grasbeck syndrome type 1 (IGS1). Also called: MEGALOBLASTIC ANEMIA, 1; Imerslund-Gräsbeck syndrome 1; Megaloblastic anemia 1, Finnish type. Identifiers: MedGen C4016819, MONDO:0100156, OMIM 261100.
Proteinuria, chronic benign. Identifiers: MedGen C5394384, MONDO:0030042, OMIM 618884.
CUBN-related disorder. Also called: CUBN-related condition.
Imerslund-Grasbeck syndrome. Also called: PERNICIOUS ANEMIA, JUVENILE, DUE TO SELECTIVE INTESTINAL MALABSORPTION OF VITAMIN B12, WITH PROTEINURIA; Imerslund-Gräsbeck syndrome; Megaloblastic anemia due to inborn errors of metabolism; ENTEROCYTE COBALAMIN MALABSORPTION; ENTEROCYTE INTRINSIC FACTOR RECEPTOR, DEFECT OF. Identifiers: Orphanet 35858, MedGen C4551825, MONDO:0009853.

Allele frequency attached by ClinVar (database versions not stated): ExAC 0.00004; gnomAD 0.00008 and 0.00009; 1000 Genomes Project 0.00020; 1000 Genomes Project 30x 0.00031; ESP Exome Variant Server 0.00008; TOPMed 0.00009.
gnomAD v4.1: 24 of 1,614,064 alleles (0.0015%); highest among the groups gnomAD compares: African/African-American, 0.027%; no homozygotes.

Submissions (4):

Greenwood Genetic Center Diagnostic Laboratories, Greenwood Genetic Center
Classification: Pathogenic for CUBN-related disorder. Last evaluated: 2025-01-07. Review status: criteria provided, single submitter. Criteria: ACMG Guidelines, 2015. Collection method: clinical testing. Allele origin: germline. Affected: yes.
Comment: PVS1, PM2, PM3_Supporting

Labcorp Genetics (formerly Invitae), Labcorp
Classification: Pathogenic for Imerslund-Grasbeck syndrome. Last evaluated: 2024-06-03. Review status: criteria provided, single submitter. Criteria: Invitae Variant Classification Sherloc (09022015). Collection method: clinical testing. Allele origin: germline.
Comment: This sequence change creates a premature translational stop signal (p.Ser3175*) in the CUBN gene. It is expected to result in an absent or disrupted protein product. Loss-of-function variants in CUBN are known to be pathogenic (PMID: 15024727, 22929189, 25349199, 31613795, 34979989). This variant is present in population databases (rs368697251, gnomAD 0.04%). This variant has not been reported in the literature in individuals affected with CUBN-related conditions. ClinVar contains an entry for this variant (Variation ID: 599129). Algorithms developed to predict the effect of sequence changes on RNA splicing suggest that this variant may disrupt the consensus splice site. For these reasons, this variant has been classified as Pathogenic.

Fulgent Genetics
Classification: Likely pathogenic for Imerslund-Grasbeck syndrome type 1; Proteinuria, chronic benign. Last evaluated: 2023-12-28. Review status: criteria provided, single submitter. Criteria: ACMG Guidelines, 2015. Collection method: clinical testing. Allele origin: germline.

Bioscientia Institut fuer Medizinische Diagnostik GmbH, Sonic Healthcare
Classification: Pathogenic for Imerslund-Grasbeck syndrome type 1. Last evaluated: 2018-05-17. Review status: no assertion criteria provided. Collection method: clinical testing. Allele origin: germline. Affected: yes. Not counted in ClinVar's aggregate classification.

Literature cited by the submitters: PubMed 15024727 (cited by Labcorp Genetics (formerly Invitae), Labcorp); PubMed 22929189 (cited by Labcorp Genetics (formerly Invitae), Labcorp); PubMed 25349199 (cited by Labcorp Genetics (formerly Invitae), Labcorp); PubMed 31613795 (cited by Labcorp Genetics (formerly Invitae), Labcorp); PubMed 34979989 (cited by Labcorp Genetics (formerly Invitae), Labcorp).